The following is an entry in ClinVar:

NM_020297.4(ABCC9):c.4450-5dup

Genes: KCNJ8-AS1 (KCNJ8 antisense RNA 1; plus strand), ABCC9 (ATP binding cassette subfamily C member 9; minus strand). Cytogenetic location: 12p12.1.
Variant type: Duplication.
Coding change: c.4450-5dup on transcript NM_020297.4 (MANE Select); 5 bases into the intron before coding-DNA position 4450, one base duplicated (T; older notation c.4450-5dupT).
Molecular consequence: intron variant.
Genome position (GRCh38, 1-based): chr12:21,806,065, A duplicated on the plus strand (T on the coding strand, the reverse complement: ABCC9 is on the minus strand); the first of 12 consecutive A bases (chr12:21,806,065-21,806,076); duplicating any one gives the same sequence. VCF-style (leftmost placement, unchanged base first): chr12-21806064-C-CA. GRCh37 (hg19) VCF-style: chr12-21958998-C-CA.
Other names: p.?; c.4450-5dupT (NM_005691.3); c.4450-5dup (NM_020297.2, NM_005691.4, NM_001377273.1); c.3583-5dup (NM_001377274.1).
Identifiers: ClinVar variation 178859 (VCV000178859.20), dbSNP rs4148680, ClinGen allele CA183174.

ClinVar aggregate classification (germline): Benign/Likely benign. Review status: criteria provided, multiple submitters, no conflicts (2 of 4 stars). 7 submissions from 7 submitters: Benign (4); Likely benign (1). 2 of the submissions do not count toward it. Last evaluated 2026-02-03.

Conditions:
Cardiomyopathy (CMYO). Also called: Cardiomyopathies. Identifiers: Orphanet 167848, MedGen C0878544, MONDO:0004994, HP:0001638. Inheritance: Various modes of inheritance.
Dilated cardiomyopathy 1O (CMD1O). Also called: CARDIOMYOPATHY, DILATED, WITH VENTRICULAR TACHYCARDIA. Identifiers: Orphanet 154, MedGen C1837839, MONDO:0012062, OMIM 608569.

Submissions (7):

Labcorp Genetics (formerly Invitae), Labcorp
Classification: Benign for Dilated cardiomyopathy 1O. Last evaluated: 2026-02-03. Review status: criteria provided, single submitter. Criteria: Invitae Variant Classification Sherloc (09022015). Collection method: clinical testing. Allele origin: germline.

Blueprint Genetics
Classification: Likely benign. Last evaluated: 2024-11-27. Review status: criteria provided, single submitter. Criteria: ACMG Guidelines, 2015. Collection method: clinical testing. Allele origin: germline.

Mayo Clinic Laboratories, Mayo Clinic
Classification: Benign. Last evaluated: 2023-01-04. Review status: criteria provided, single submitter. Criteria: ACMG Guidelines, 2015. Collection method: clinical testing. Allele origin: germline. Observed: 137 variant alleles.
Comment: BA1

CHEO Genetics Diagnostic Laboratory, Children's Hospital of Eastern Ontario
Classification: Benign for Cardiomyopathy. Last evaluated: 2019-05-30. Review status: criteria provided, single submitter. Criteria: ACMG Guidelines, 2015. Collection method: clinical testing. Allele origin: germline.

Laboratory for Molecular Medicine, Mass General Brigham Personalized Medicine
Classification: Benign. Last evaluated: 2013-04-05. Review status: criteria provided, single submitter. Criteria: LMM Criteria. Collection method: clinical testing. Allele origin: germline. Observed: 1 variant allele.

Clinical Genetics, Academic Medical Center
Classification: Benign. Review status: no assertion criteria provided. Collection method: clinical testing. Allele origin: germline. Affected: yes. Study: VKGL Data-share Consensus. Not counted in ClinVar's aggregate classification.

Joint Genome Diagnostic Labs from Nijmegen and Maastricht, Radboudumc and MUMC+
Classification: Likely benign. Review status: no assertion criteria provided. Collection method: clinical testing. Allele origin: germline. Affected: yes. Study: VKGL Data-share Consensus. Not counted in ClinVar's aggregate classification.